The following is an entry in ClinVar:

NM_001384474.1(LOXHD1):c.5279A>G (p.Tyr1760Cys)

Gene: LOXHD1 (lipoxygenase homology PLAT domains 1; minus strand). Cytogenetic location: 18q21.1.
Variant type: single nucleotide variant.
Coding change: c.5279A>G on transcript NM_001384474.1 (MANE Select); coding-DNA position 5279, A replaced by G.
Protein change: p.Tyr1760Cys; replaces tyrosine 1760 with cysteine.
Molecular consequence: missense variant. On other transcripts: 5 prime UTR variant (2).
Genome position (GRCh38, 1-based): chr18:46,518,249, T>C on the plus strand (A>G on the coding strand, the complement: LOXHD1 is on the minus strand). VCF-style: chr18-46518249-T-C. GRCh37 (hg19) VCF-style: chr18-44098212-T-C.
Other names: c.1946A>G, p.Tyr649Cys (NM_001145472.3); c.-5A>G (NM_001145473.3, NM_001173129.2); c.1658A>G, p.Tyr553Cys (NM_001308013.2); c.5093A>G, p.Tyr1698Cys (NM_144612.7); short protein forms Y553C, Y649C, Y1698C, Y1760C.
Identifiers: ClinVar variation 4099015 (VCV004099015.2).

ClinVar aggregate classification (germline): Uncertain significance. Review status: criteria provided, multiple submitters, no conflicts (2 of 4 stars). 2 submissions from 2 submitters: Uncertain significance (2). Last evaluated 2025-09-24.

Conditions:
Inborn genetic diseases. Identifiers: MedGen C0950123, MeSH D030342.

gnomAD v4.1: 7 of 1,551,570 alleles (0.00045%); highest among the groups gnomAD compares: East Asian, 0.0024%; no homozygotes.

Submissions (2):

Labcorp Genetics (formerly Invitae), Labcorp
Classification: Uncertain significance. Last evaluated: 2025-09-24. Review status: criteria provided, single submitter. Criteria: Invitae Variant Classification Sherloc (09022015). Collection method: clinical testing. Allele origin: germline.
Comment: This sequence change replaces tyrosine, which is neutral and polar, with cysteine, which is neutral and slightly polar, at codon 1698 of the LOXHD1 protein (p.Tyr1698Cys). This variant is present in population databases (no rsID available, gnomAD 0.002%). This missense change has been observed in individual(s) with deafness (internal data). In at least one individual the data is consistent with being in trans (on the opposite chromosome) from a pathogenic variant. An algorithm developed to predict the effect of missense changes on protein structure and function (PolyPhen-2) suggests that this variant is likely to be disruptive. In summary, the available evidence is currently insufficient to determine the role of this variant in disease. Therefore, it has been classified as a Variant of Uncertain Significance.

Ambry Genetics
Classification: Uncertain significance for Inborn genetic diseases. Last evaluated: 2025-08-30. Review status: criteria provided, single submitter. Criteria: Ambry Variant Classification Scheme 2023. Collection method: clinical testing. Allele origin: germline.